The following is an entry in ClinVar:

ClinVar aggregate classification (germline): Uncertain significance. Review status: criteria provided, multiple submitters, no conflicts (2 of 4 stars). 2 submissions from 2 submitters: Uncertain significance (2). Last evaluated 2021-12-02.

Conditions:
Severe combined immunodeficiency due to DNA-PKcs deficiency. Also called: IMMUNODEFICIENCY 26 WITH NEUROLOGIC ABNORMALITIES; Immunodeficiency 26 with or without neurologic abnormalities. Identifiers: Orphanet 317425, MedGen C4014833, MONDO:0014423, OMIM 615966.

Submissions (2):

Labcorp Genetics (formerly Invitae), Labcorp
Classification: Uncertain significance for Severe combined immunodeficiency due to DNA-PKcs deficiency. Last evaluated: 2021-12-02. Review status: criteria provided, single submitter. Criteria: Invitae Variant Classification Sherloc (09022015). Collection method: clinical testing. Allele origin: germline.
Comment: In summary, the available evidence is currently insufficient to determine the role of this variant in disease. Therefore, it has been classified as a Variant of Uncertain Significance. Experimental studies and prediction algorithms are not available or were not evaluated, and the functional significance of this variant is currently unknown. This variant has not been reported in the literature in individuals affected with PRKDC-related conditions. This variant is not present in population databases (gnomAD no frequency). This sequence change replaces lysine, which is basic and polar, with glutamic acid, which is acidic and polar, at codon 205 of the PRKDC protein (p.Lys205Glu).

Ambry Genetics
Classification: Uncertain significance. Last evaluated: 2021-06-14. Review status: criteria provided, single submitter. Criteria: Ambry Variant Classification Scheme 2023. Collection method: clinical testing. Allele origin: germline.
Comment: The p.K205E variant (also known as c.613A>G), located in coding exon 6 of the PRKDC gene, results from an A to G substitution at nucleotide position 613. The lysine at codon 205 is replaced by glutamic acid, an amino acid with similar properties. This amino acid position is conserved. In addition, the in silico prediction for this alteration is inconclusive. Since supporting evidence is limited at this time, the clinical significance of this alteration remains unclear.

NM_006904.7(PRKDC):c.613A>G (p.Lys205Glu)

Gene: PRKDC (protein kinase, DNA-activated, catalytic subunit; minus strand). Cytogenetic location: 8q11.21.
Variant type: single nucleotide variant.
Coding change: c.613A>G on transcript NM_006904.7 (MANE Select); coding-DNA position 613, A replaced by G.
Protein change: p.Lys205Glu; replaces lysine 205 with glutamic acid.
Molecular consequence: missense variant.
Genome position (GRCh38, 1-based): chr8:47,953,815, T>C on the plus strand (A>G on the coding strand, the complement: PRKDC is on the minus strand). VCF-style: chr8-47953815-T-C. GRCh37 (hg19) VCF-style: chr8-48866375-T-C.
Other names: c.613A>G, p.Lys205Glu (NM_001081640.2); short protein forms K205E.
Identifiers: ClinVar variation 1377759 (VCV001377759.8), dbSNP rs2154504579, ClinGen allele CA371138711.